The following is an entry in ClinVar:

ClinVar aggregate classification (germline): Uncertain significance (1 of 4 stars; one submission).

Allele frequency attached by ClinVar (database versions not stated): gnomAD exomes below 0.00001.
gnomAD v4.1: 1 of 1,614,014 alleles (0.000062%); highest among the groups gnomAD compares: Non-Finnish European, 0.000085%; no homozygotes.

Submission:

Women's Health and Genetics/Laboratory Corporation of America, LabCorp
Classification: Uncertain significance. Last evaluated: 2019-11-20. Review status: criteria provided, single submitter. Criteria: LabCorp Variant Classification Summary - May 2015. Collection method: clinical testing. Allele origin: germline.
Comment: Variant summary: ACER3 c.227G>A (p.Gly76Glu) results in a non-conservative amino acid change in the encoded protein sequence. Five of five in-silico tools predict a damaging effect of the variant on protein function. The variant was absent in 251186 control chromosomes (gnomAD). The available data on variant occurrences in the general population are insufficient to allow any conclusion about variant significance. To our knowledge, no occurrence of c.227G>A in individuals affected with Leukodystrophy, progressive, early childhood-onset and no experimental evidence demonstrating its impact on protein function have been reported. No clinical diagnostic laboratories have submitted clinical-significance assessments for this variant to ClinVar after 2014. Based on the evidence outlined above, the variant was classified as uncertain significance.

NM_018367.7(ACER3):c.227G>A (p.Gly76Glu)

Gene: ACER3 (alkaline ceramidase 3; plus strand). Cytogenetic location: 11q13.5.
Variant type: single nucleotide variant.
Coding change: c.227G>A on transcript NM_018367.7 (MANE Select); coding-DNA position 227, G replaced by A.
Protein change: p.Gly76Glu; replaces glycine 76 with glutamic acid.
Molecular consequence: missense variant. On other transcripts: intron variant (2).
Genome position (GRCh38, 1-based): chr11:76,958,991, G>A. VCF-style: chr11-76958991-G-A. GRCh37 (hg19) VCF-style: chr11-76670035-G-A.
Other names: c.116G>A, p.Gly39Glu (NM_001300953.2); c.-142-86G>A (NM_001300954.2); c.-18-17298G>A (NM_001300955.2); short protein forms G39E, G76E.
Identifiers: ClinVar variation 928842 (VCV000928842.1), dbSNP rs1947914876, ClinGen allele CA381924642.